The following is an entry in ClinVar:

ClinVar aggregate classification (germline): Likely benign. Review status: criteria provided, multiple submitters, no conflicts (2 of 4 stars). 3 submissions from 3 submitters: Likely benign (3). Last evaluated 2026-01-27.

Allele frequency attached by ClinVar (database versions not stated): 1000 Genomes Project 0.00300; 1000 Genomes Project 30x 0.00344; gnomAD 0.00599; ESP Exome Variant Server 0.00615; TOPMed 0.00628.
gnomAD v4.1: 12,168 of 1,614,216 alleles (0.75%); highest among the groups gnomAD compares: Middle Eastern, 1.3%; 70 homozygotes.

Submissions (3):

Labcorp Genetics (formerly Invitae), Labcorp
Classification: Likely benign. Last evaluated: 2026-01-27. Review status: criteria provided, single submitter. Criteria: Invitae Variant Classification Sherloc (09022015). Collection method: clinical testing. Allele origin: germline.

CeGaT Center for Human Genetics Tuebingen
Classification: Likely benign. Last evaluated: 2024-01-01. Review status: criteria provided, single submitter. Criteria: CeGaT Center For Human Genetics Tuebingen Variant Classification Criteria Version 2. Collection method: clinical testing. Allele origin: germline. Affected: yes. Observed: 1 variant allele.
Comment: PLXNA2: BS2

Breakthrough Genomics
Classification: Likely benign. Review status: criteria provided, single submitter. Criteria: ACMG Guidelines, 2015. Collection method: not provided. Allele origin: germline. Inheritance: Unknown mechanism. Affected: yes.

NM_025179.4(PLXNA2):c.365C>A (p.Ser122Tyr)

Gene: PLXNA2 (plexin A2; minus strand). Cytogenetic location: 1q32.2.
Variant type: single nucleotide variant.
Coding change: c.365C>A on transcript NM_025179.4 (MANE Select); coding-DNA position 365, C replaced by A.
Protein change: p.Ser122Tyr; replaces serine 122 with tyrosine.
Molecular consequence: missense variant.
Genome position (GRCh38, 1-based): chr1:208,217,558, G>T on the plus strand (C>A on the coding strand, the complement: PLXNA2 is on the minus strand). VCF-style: chr1-208217558-G-T. GRCh37 (hg19) VCF-style: chr1-208390903-G-T.
Other names: short protein forms S122Y.
Identifiers: ClinVar variation 771122 (VCV000771122.33), dbSNP rs142871447, ClinGen allele CA1374082.